The following is an entry in ClinVar:

ClinVar aggregate classification (germline): Likely benign (1 of 4 stars; one submission).

Allele frequency attached by ClinVar (database versions not stated): gnomAD exomes below 0.00001; TOPMed below 0.00001.
gnomAD v4.1: 6 of 1,612,292 alleles (0.00037%); highest among the groups gnomAD compares: Non-Finnish European, 0.00034%; no homozygotes.

Submission:

CeGaT Center for Human Genetics Tuebingen
Classification: Likely benign. Last evaluated: 2022-12-01. Review status: criteria provided, single submitter. Criteria: CeGaT Center For Human Genetics Tuebingen Variant Classification Criteria Version 2. Collection method: clinical testing. Allele origin: germline. Affected: yes. Observed: 1 variant allele.
Comment: CIC: BP4, BP7

NM_001386298.1(CIC):c.3558C>T (p.Ser1186=)

Gene: CIC (capicua transcriptional repressor; plus strand). Cytogenetic location: 19q13.2.
Variant type: single nucleotide variant.
Coding change: c.3558C>T on transcript NM_001386298.1 (MANE Select); coding-DNA position 3558, C replaced by T.
Protein change: p.Ser1186=; no amino-acid change (serine 1186 retained).
Molecular consequence: synonymous variant.
Genome position (GRCh38, 1-based): chr19:42,287,875, C>T. VCF-style: chr19-42287875-C-T. GRCh37 (hg19) VCF-style: chr19-42792027-C-T.
Other names: c.3558C>T, p.Ser1186= (NM_001304815.2, NM_001379480.1, NM_001379482.1 and 1 more transcripts); c.831C>T, p.Ser277= (NM_001379484.1, NM_001379485.1, NM_015125.5).
Identifiers: ClinVar variation 1879443 (VCV001879443.29), dbSNP rs1248745980, ClinGen allele CA507703669.